The following is an entry in ClinVar:

NM_005445.4(SMC3):c.3520A>G (p.Thr1174Ala)

Gene: SMC3 (structural maintenance of chromosomes 3; plus strand). Cytogenetic location: 10q25.2.
Variant type: single nucleotide variant.
Coding change: c.3520A>G on transcript NM_005445.4 (MANE Select); coding-DNA position 3520, A replaced by G.
Protein change: p.Thr1174Ala; replaces threonine 1174 with alanine.
Molecular consequence: missense variant.
Genome position (GRCh38, 1-based): chr10:110,603,228, A>G. VCF-style: chr10-110603228-A-G. GRCh37 (hg19) VCF-style: chr10-112362986-A-G.
Other names: short protein forms T1174A.
Identifiers: ClinVar variation 1732268 (VCV001732268.8), dbSNP rs2493150651, ClinGen allele CA378395460.

ClinVar aggregate classification (germline): Conflicting classifications of pathogenicity. Review status: criteria provided, conflicting classifications (1 of 4 stars). 3 submissions from 3 submitters: Likely pathogenic (1); Uncertain significance (2). Last evaluated 2022-03-25.

Conditions:
SMC3-related disorder. Also called: SMC3-related condition.
Cornelia de Lange syndrome 3 (CDLS3). Also called: SMC3-Related Cornelia de Lange Syndrome; CORNELIA DE LANGE SYNDROME 3 WITH OR WITHOUT MIDLINE BRAIN DEFECTS. Identifiers: Orphanet 199, MedGen C1853099, MONDO:0012555, OMIM 610759.
Inborn genetic diseases. Identifiers: MedGen C0950123, MeSH D030342.

Submissions (3):

Labcorp Genetics (formerly Invitae), Labcorp
Classification: Uncertain significance for Cornelia de Lange syndrome 3. Last evaluated: 2022-03-25. Review status: criteria provided, single submitter. Criteria: Invitae Variant Classification Sherloc (09022015). Collection method: clinical testing. Allele origin: germline.
Comment: In summary, the available evidence is currently insufficient to determine the role of this variant in disease. Therefore, it has been classified as a Variant of Uncertain Significance. Algorithms developed to predict the effect of missense changes on protein structure and function are either unavailable or do not agree on the potential impact of this missense change (SIFT: "Deleterious"; PolyPhen-2: "Probably Damaging"; Align-GVGD: "Class C0"). This variant has not been reported in the literature in individuals affected with SMC3-related conditions. This variant is not present in population databases (gnomAD no frequency). This sequence change replaces threonine, which is neutral and polar, with alanine, which is neutral and non-polar, at codon 1174 of the SMC3 protein (p.Thr1174Ala).

Blueprint Genetics
Classification: Likely pathogenic for SMC3-related disorders. Last evaluated: 2020-10-14. Review status: criteria provided, single submitter. Criteria: ACMG Guidelines, 2015. Collection method: clinical testing. Allele origin: de novo. Affected: yes. Observed: 1 variant allele.

Ambry Genetics
Classification: Uncertain significance for Inborn genetic diseases. Last evaluated: 2017-03-30. Review status: criteria provided, single submitter. Criteria: Ambry Variant Classification Scheme 2023. Collection method: clinical testing. Allele origin: germline.
Comment: The p.T1174A variant (also known as c.3520A>G), located in coding exon 28 of the SMC3 gene, results from an A to G substitution at nucleotide position 3520. The threonine at codon 1174 is replaced by alanine, an amino acid with similar properties. This amino acid position is highly conserved in available vertebrate species. In addition, this alteration is predicted to be deleterious by in silico analysis. Since supporting evidence is limited at this time, the clinical significance of this alteration remains unclear.